The following is an entry in ClinVar:

NM_017882.3(CLN6):c.679G>A (p.Glu227Lys)

Gene: CLN6 (CLN6 transmembrane ER protein; minus strand). Cytogenetic location: 15q23.
Variant type: single nucleotide variant.
Coding change: c.679G>A on transcript NM_017882.3 (MANE Select); coding-DNA position 679, G replaced by A.
Protein change: p.Glu227Lys; replaces glutamic acid 227 with lysine.
Molecular consequence: missense variant.
Genome position (GRCh38, 1-based): chr15:68,208,397, C>T on the plus strand (G>A on the coding strand, the complement: CLN6 is on the minus strand). VCF-style: chr15-68208397-C-T. GRCh37 (hg19) VCF-style: chr15-68500735-C-T.
Other names: short protein forms E227K.
Identifiers: ClinVar variation 522701 (VCV000522701.55), dbSNP rs746753722, ClinGen allele CA7630488.

ClinVar aggregate classification (germline): Conflicting classifications of pathogenicity. Review status: criteria provided, conflicting classifications (1 of 4 stars). 6 submissions from 6 submitters: Pathogenic (1); Likely pathogenic (3); Uncertain significance (2). Last evaluated 2025-04-18.

Conditions:
Neuronal ceroid lipofuscinosis. Also called: Neuronal Ceroid Lipofuscinoses. Identifiers: Orphanet 216, Orphanet 79263, MedGen C0027877, MONDO:0016295. Disease mechanism: loss of function.
Ceroid lipofuscinosis, neuronal, 6A. Also called: Neuronal ceroid lipofuscinosis, late infantile, variant; Neuronal ceroid lipofuscinosis, Gypsy/Indian early juvenile variant; Neuronal ceroid lipofuscinosis 6; CLN6-Related Neuronal Ceroid-Lipofuscinosis. Identifiers: Orphanet 168491, Orphanet 228363, MedGen C5551375, MONDO:0011144, OMIM 601780.
Ceroid lipofuscinosis, neuronal, 6B (Kufs type). Also called: Neuronal ceroid lipofuscinosis 4A. Identifiers: Orphanet 700477, MedGen C5561927, MONDO:0008768, OMIM 204300.

Allele frequency attached by ClinVar (database versions not stated): ExAC 0.00001; gnomAD 0.00001; gnomAD exomes 0.00001; TOPMed 0.00002.
gnomAD v4.1: 16 of 1,612,754 alleles (0.00099%); highest among the groups gnomAD compares: African/African-American, 0.0027%; no homozygotes.

Submissions (6):

Natera, Inc.
Classification: Likely pathogenic for Ceroid lipofuscinosis, neuronal, 6A. Last evaluated: 2025-04-18. Review status: criteria provided, single submitter. Criteria: Natera Variant Classification Schema (03/2026). Collection method: clinical testing. Allele origin: germline.
Comment: The c.679G>A variant in CLN6 is a missense variant predicted to cause substitution of glutamic acid to lysine at amino acid 227. This variant is rare in the general population with a frequency below the threshold expected for the associated phenotype(s). This variant has been observed in one or more individuals affected with the associated recessive disease, as either homozygous or compound heterozygous with a second variant (PMID: 31319225, 34849271). This variant has been identified in one or more affected individuals with a phenotype highly consistent with the associated gene (PMID: 34849271). Computational prediction algorithms indicate this variant is likely to affect gene or protein function. Given the available evidence, this variant is classified as Likely Pathogenic.

Labcorp Genetics (formerly Invitae), Labcorp
Classification: Uncertain significance for Neuronal ceroid lipofuscinosis. Last evaluated: 2024-10-23. Review status: criteria provided, single submitter. Criteria: Invitae Variant Classification Sherloc (09022015). Collection method: clinical testing. Allele origin: germline.
Comment: This sequence change replaces glutamic acid, which is acidic and polar, with lysine, which is basic and polar, at codon 227 of the CLN6 protein (p.Glu227Lys). This variant is present in population databases (rs746753722, gnomAD 0.007%). This missense change has been observed in individual(s) with clinical features of CLN6-related conditions (PMID: 31319225, 34849271; internal data). In at least one individual the data is consistent with being in trans (on the opposite chromosome) from a pathogenic variant. ClinVar contains an entry for this variant (Variation ID: 522701). Invitae Evidence Modeling of protein sequence and biophysical properties (such as structural, functional, and spatial information, amino acid conservation, physicochemical variation, residue mobility, and thermodynamic stability) indicates that this missense variant is not expected to disrupt CLN6 protein function with a negative predictive value of 80%. In summary, the available evidence is currently insufficient to determine the role of this variant in disease. Therefore, it has been classified as a Variant of Uncertain Significance.

Fulgent Genetics
Classification: Likely pathogenic for Ceroid lipofuscinosis, neuronal, 6B (Kufs type); Ceroid lipofuscinosis, neuronal, 6A. Last evaluated: 2024-03-29. Review status: criteria provided, single submitter. Criteria: ACMG Guidelines, 2015. Collection method: clinical testing. Allele origin: germline.

Foundation for Research in Genetics and Endocrinology, FRIGE's Institute of Human Genetics
Classification: Likely pathogenic for Ceroid lipofuscinosis, neuronal, 6A. Last evaluated: 2023-04-13. Review status: criteria provided, single submitter. Criteria: ACMG Guidelines, 2015. Collection method: clinical testing. Allele origin: germline. Inheritance: Autosomal recessive inheritance. Affected: yes. Observed: 1 homozygote.
Comment: A Homozygous missense variation in exon 7 of the CLN6 gene that results in the amino acid substitution of Lysine for Glutamic acid at codon 227 was detected. The observed variant c.679G>A (p.Glu227Lys) has not been reported in the 1000 genomes and has a MAF of 0.0012% in the gnomAD databases. The in silico prediction of the variant are possibly damaging by SIFT, LRT and MutationTaster2. The reference codon is conserved across species. In summary, the variant meets our criteria to be classified as likely pathogenic.

Broad Center for Mendelian Genomics, Broad Institute of MIT and Harvard
Classification: Uncertain significance for Ceroid lipofuscinosis, neuronal, 6A. Last evaluated: 2018-11-15. Review status: criteria provided, single submitter. Criteria: ACMG Guidelines, 2015. Collection method: research. Allele origin: germline. Inheritance: Autosomal recessive inheritance. Affected: yes.
Comment: This variant has been identified in <0.01% (1/15038) of African chromosomes by the Genome Aggregation Database (gnomAD; dbSNP rs746753722). Although this variant has been seen in the general population, its frequency is low enough to be consistent with a recessive carrier frequency. Computational prediction tools and conservation analyses suggest that this variant may impact the protein, though this information is not predictive enough to determine pathogenicity. In summary, the clinical significance of the p.Pro441Leu variant is uncertain.

Genomic Research Center, Shahid Beheshti University of Medical Sciences
Classification: Pathogenic for Ceroid lipofuscinosis, neuronal, 6A. Last evaluated: 2017-12-03. Review status: criteria provided, single submitter. Criteria: ACMG Guidelines, 2015. Collection method: clinical testing. Allele origin: inherited. Affected: yes.

Literature cited by the submitters: PubMed 31319225 (cited by Natera, Inc. and Labcorp Genetics (formerly Invitae), Labcorp); PubMed 34849271 (cited by Natera, Inc. and Labcorp Genetics (formerly Invitae), Labcorp); PubMed 26374131 (cited by Broad Center for Mendelian Genomics, Broad Institute of MIT and Harvard).